The following is an entry in ClinVar:

NM_000051.4(ATM):c.4236+2T>G

Gene: ATM (ATM serine/threonine kinase; plus strand). Cytogenetic location: 11q22.3.
Variant type: single nucleotide variant.
Coding change: c.4236+2T>G on transcript NM_000051.4 (MANE Select); the canonical splice donor site of the intron after coding-DNA position 4236, T replaced by G.
Molecular consequence: splice donor variant.
Genome position (GRCh38, 1-based): chr11:108,289,105, T>G. VCF-style: chr11-108289105-T-G. GRCh37 (hg19) VCF-style: chr11-108159832-T-G.
Other names: c.4236+2T>G (NM_001351834.2).
Identifiers: ClinVar variation 4825510 (VCV004825510.1).
Genomic context (GRCh38, chr11:108,289,105, plus strand): 5'-TCAGCAATTGTCATAAAACCAAGTTAAAAAGCATTTTAGAAATTCTTTCCAAAAGCCCTG[T>G]AAGTATACATGATGAGTTTAATAATAGAACATTCCTTCTTTTTTAGCTAAAAAAACTTTG-3'

ClinVar aggregate classification (germline): Likely pathogenic (1 of 4 stars; one submission).

Conditions:
Hereditary cancer-predisposing syndrome. Also called: Neoplastic Syndromes, Hereditary; Tumor predisposition; Hereditary Cancer Syndrome; Hereditary neoplastic syndrome. Identifiers: Orphanet 140162, MedGen C0027672, MeSH D009386, MONDO:0015356.

Submission:

Ambry Genetics
Classification: Likely pathogenic for Hereditary cancer-predisposing syndrome. Last evaluated: 2026-01-27. Review status: criteria provided, single submitter. Criteria: Ambry Variant Classification Scheme 2023. Collection method: clinical testing. Allele origin: germline.
Comment: The c.4236+2T>G intronic variant results from a T to G substitution two nucleotides after coding exon 27 in the ATM gene. This variant is considered to be rare based on population cohorts in the Genome Aggregation Database (gnomAD). This nucleotide position is highly conserved in available vertebrate species. In silico splice site analysis predicts that this alteration will weaken the native splice donor site. Variants that disrupt the canonical splice site are expected to cause aberrant splicing, resulting in an abnormal protein or a transcript that is subject to nonsense-mediated mRNA decay. As such, this variant is classified as likely pathogenic.